The following is an entry in ClinVar:

ClinVar aggregate classification (germline): Uncertain significance (1 of 4 stars; one submission).

Submission:

Labcorp Genetics (formerly Invitae), Labcorp
Classification: Uncertain significance. Last evaluated: 2025-11-30. Review status: criteria provided, single submitter. Criteria: Invitae Variant Classification Sherloc (09022015). Collection method: clinical testing. Allele origin: germline.
Comment: This sequence change replaces methionine, which is neutral and non-polar, with valine, which is neutral and non-polar, at codon 176 of the SLC4A11 protein (p.Met176Val). This variant is present in population databases (rs368624286, gnomAD 0.007%). This variant has not been reported in the literature in individuals affected with SLC4A11-related conditions. Invitae Evidence Modeling of protein sequence and biophysical properties (such as structural, functional, and spatial information, amino acid conservation, physicochemical variation, residue mobility, and thermodynamic stability) indicates that this missense variant is not expected to disrupt SLC4A11 protein function with a negative predictive value of 80%. In summary, the available evidence is currently insufficient to determine the role of this variant in disease. Therefore, it has been classified as a Variant of Uncertain Significance.

NM_001174089.2(SLC4A11):c.478A>G (p.Met160Val)

Gene: SLC4A11 (solute carrier family 4 member 11; minus strand). Cytogenetic location: 20p13.
Variant type: single nucleotide variant.
Coding change: c.478A>G on transcript NM_001174089.2 (MANE Select); coding-DNA position 478, A replaced by G.
Protein change: p.Met160Val; replaces methionine 160 with valine.
Molecular consequence: missense variant. On other transcripts: non-coding transcript variant (3).
Genome position (GRCh38, 1-based): chr20:3,234,128, T>C on the plus strand (A>G on the coding strand, the complement: SLC4A11 is on the minus strand). VCF-style: chr20-3234128-T-C. GRCh37 (hg19) VCF-style: chr20-3214774-T-C.
Other names: c.607A>G, p.Met203Val (NM_001174090.2, NM_001400280.1); c.478A>G, p.Met160Val (NM_001363745.2); c.421A>G, p.Met141Val (NM_001400277.1, NM_001400278.1, NM_001400279.1); c.526A>G, p.Met176Val (NM_032034.4); short protein forms M203V, M141V, M176V, M160V.
Identifiers: ClinVar variation 4726244 (VCV004726244.1).